The following is an entry in ClinVar:

ClinVar aggregate classification (germline): Uncertain significance (1 of 4 stars; one submission).

Conditions:
GLI1-related disorder. Also called: GLI1-related condition.

Submission:

PreventionGenetics, part of Exact Sciences
Classification: Uncertain significance for GLI1-related condition. Last evaluated: 2025-08-03. Review status: criteria provided, single submitter. Criteria: ACMG Guidelines, 2015. Collection method: clinical testing. Allele origin: germline.
Comment: The GLI1 c.3221C>T variant is predicted to result in the amino acid substitution p.Thr1074Ile. To our knowledge, this variant has not been reported in the literature or in a large population database (gnomAD), indicating this variant is rare. At this time, the clinical significance of this variant is uncertain due to the absence of conclusive functional and genetic evidence.

NM_005269.3(GLI1):c.3221C>T (p.Thr1074Ile)

Gene: GLI1 (GLI family zinc finger 1; plus strand). Cytogenetic location: 12q13.3.
Variant type: single nucleotide variant.
Coding change: c.3221C>T on transcript NM_005269.3 (MANE Select); coding-DNA position 3221, C replaced by T.
Protein change: p.Thr1074Ile; replaces threonine 1074 with isoleucine.
Molecular consequence: missense variant.
Genome position (GRCh38, 1-based): chr12:57,471,961, C>T. VCF-style: chr12-57471961-C-T. GRCh37 (hg19) VCF-style: chr12-57865744-C-T.
Other names: c.2837C>T, p.Thr946Ile (NM_001160045.2); c.3098C>T, p.Thr1033Ile (NM_001167609.2); short protein forms T1033I, T1074I, T946I.
Identifiers: ClinVar variation 4988725 (VCV004988725.1).